The following is an entry in ClinVar:

NM_000245.4(MET):c.89T>A (p.Leu30Gln)

Gene: MET (MET proto-oncogene, receptor tyrosine kinase; plus strand). Cytogenetic location: 7q31.2.
Variant type: single nucleotide variant.
Coding change: c.89T>A on transcript NM_000245.4 (MANE Select); coding-DNA position 89, T replaced by A.
Protein change: p.Leu30Gln; replaces leucine 30 with glutamine.
Molecular consequence: missense variant. On other transcripts: intron variant (1).
Genome position (GRCh38, 1-based): chr7:116,699,173, T>A. VCF-style: chr7-116699173-T-A. GRCh37 (hg19) VCF-style: chr7-116339227-T-A.
Other names: c.89T>A, p.Leu30Gln (NM_001127500.3, NM_001324401.3); c.-91+26596T>A (NM_001324402.2); short protein forms L30Q.
Identifiers: ClinVar variation 4843776 (VCV004843776.1).

ClinVar aggregate classification (germline): Uncertain significance (1 of 4 stars; one submission).

Conditions:
Hereditary cancer-predisposing syndrome. Also called: Neoplastic Syndromes, Hereditary; Tumor predisposition; Hereditary Cancer Syndrome; Hereditary neoplastic syndrome. Identifiers: Orphanet 140162, MedGen C0027672, MeSH D009386, MONDO:0015356.

Submission:

Ambry Genetics
Classification: Uncertain significance for Hereditary cancer-predisposing syndrome. Last evaluated: 2026-01-14. Review status: criteria provided, single submitter. Criteria: Ambry Variant Classification Scheme 2023. Collection method: clinical testing. Allele origin: germline.
Comment: The p.L30Q variant (also known as c.89T>A), located in coding exon 1 of the MET gene, results from a T to A substitution at nucleotide position 89. The leucine at codon 30 is replaced by glutamine, an amino acid with dissimilar properties. This amino acid position is conserved. In addition, the in silico prediction for this alteration is inconclusive. Based on the available evidence, the clinical significance of this variant remains unclear.